The following is an entry in ClinVar:

NM_025137.4(SPG11):c.1558C>T (p.Leu520Phe)

Gene: SPG11 (SPG11 vesicle trafficking associated, spatacsin; minus strand). Cytogenetic location: 15q21.1.
Variant type: single nucleotide variant.
Coding change: c.1558C>T on transcript NM_025137.4 (MANE Select); coding-DNA position 1558, C replaced by T.
Protein change: p.Leu520Phe; replaces leucine 520 with phenylalanine.
Molecular consequence: missense variant.
Genome position (GRCh38, 1-based): chr15:44,648,910, G>A on the plus strand (C>T on the coding strand, the complement: SPG11 is on the minus strand). VCF-style: chr15-44648910-G-A. GRCh37 (hg19) VCF-style: chr15-44941108-G-A.
Other names: c.1558C>T, p.Leu520Phe (NM_001160227.2); short protein forms L520F.
Identifiers: ClinVar variation 316108 (VCV000316108.17), dbSNP rs557277528, ClinGen allele CA7535527.

ClinVar aggregate classification (germline): Conflicting classifications of pathogenicity. Review status: criteria provided, conflicting classifications (1 of 4 stars). 7 submissions from 7 submitters: Uncertain significance (4); Likely benign (1). 2 of the submissions do not count toward it. Last evaluated 2025-05-05.

Conditions:
Inborn genetic diseases. Identifiers: MedGen C0950123, MeSH D030342.
Hereditary spastic paraplegia 11. Also called: SPASTIC PARAPLEGIA, AUTOSOMAL RECESSIVE, COMPLICATED, WITH THIN CORPUS CALLOSUM; SPASTIC PARAPLEGIA, AUTOSOMAL RECESSIVE, WITH MENTAL IMPAIRMENT AND THIN CORPUS CALLOSUM; Nakamura Osame syndrome; Autosomal recessive hereditary spastic paraplegia, mental impairment, and thin corpus callosum; Spastic paraplegia, mental retardation and thin corpus callosum; Spastic Paraplegia 11. Identifiers: Orphanet 2822, MedGen C1858479, MONDO:0011445, OMIM 604360.

Allele frequency attached by ClinVar (database versions not stated): gnomAD below 0.00001 and 0.00002; TOPMed below 0.00001; gnomAD exomes 0.00008 and 0.00019; 1000 Genomes Project 0.00020; ExAC 0.00022; 1000 Genomes Project 30x 0.00031.

Submissions (7):

Labcorp Genetics (formerly Invitae), Labcorp
Classification: Likely benign for Hereditary spastic paraplegia 11. Last evaluated: 2025-05-05. Review status: criteria provided, single submitter. Criteria: Invitae Variant Classification Sherloc (09022015). Collection method: clinical testing. Allele origin: germline.

Ambry Genetics
Classification: Uncertain significance for Inborn genetic diseases. Last evaluated: 2022-02-09. Review status: criteria provided, single submitter. Criteria: Ambry Variant Classification Scheme 2023. Collection method: clinical testing. Allele origin: germline.
Comment: The p.L520F variant (also known as c.1558C>T), located in coding exon 7 of the SPG11 gene, results from a C to T substitution at nucleotide position 1558. The leucine at codon 520 is replaced by phenylalanine, an amino acid with highly similar properties. This amino acid position is conserved. In addition, this alteration is predicted to be deleterious by in silico analysis. Since supporting evidence is limited at this time, the clinical significance of this alteration remains unclear.

Revvity Omics, Revvity
Classification: Uncertain significance. Last evaluated: 2020-02-26. Review status: criteria provided, single submitter. Criteria: ACMG Guidelines, 2015. Collection method: clinical testing. Allele origin: germline.

Illumina Laboratory Services, Illumina
Classification: Uncertain significance for Hereditary spastic paraplegia 11. Last evaluated: 2018-01-13. Review status: criteria provided, single submitter. Criteria: ICSL Variant Classification Criteria 13 December 2019. Collection method: clinical testing. Allele origin: germline.

Neuberg Centre For Genomic Medicine, NCGM
Classification: Uncertain significance for Hereditary spastic paraplegia 11. Review status: criteria provided, single submitter. Criteria: ACMG Guidelines, 2015. Collection method: clinical testing. Allele origin: germline. Inheritance: Autosomal recessive inheritance. Affected: yes.
Comment: The missense c.1558C>Tp.Leu520Phe variant in the SPG11 gene has not been reported previously as a pathogenic variant nor as a benign variant, to our knowledge. This variant is reported with an allele frequency of 0.02% in the gnomAD Exomes and novel in 1000 Genomes. This variant has been reported to the ClinVar database as Uncertain Significance multiple submitters. However, no details are available for independent assessment. The amino acid Leucine at position 520 is changed to a Phenylalanine changing protein sequence and it might alter its composition and physico-chemical properties. The variant is predicted as damaging by SIFT. The amino acid change p.Leu520Phe in SPG11 is predicted as conserved by GERP++ and PhyloP across 100 vertebrates. For these reasons, this variant has been classified as Uncertain Significance.

Clinical Genetics DNA and cytogenetics Diagnostics Lab, Erasmus MC, Erasmus Medical Center
Classification: Uncertain significance. Review status: no assertion criteria provided. Collection method: clinical testing. Allele origin: germline. Affected: yes. Study: VKGL Data-share Consensus. Not counted in ClinVar's aggregate classification.

Diagnostic Laboratory, Department of Genetics, University Medical Center Groningen
Classification: Uncertain significance. Review status: no assertion criteria provided. Collection method: clinical testing. Allele origin: germline. Affected: yes. Study: VKGL Data-share Consensus. Not counted in ClinVar's aggregate classification.